The following is an entry in ClinVar:

NM_005732.4(RAD50):c.3671A>T (p.Asn1224Ile)

Genes: TH2-LCR (Th2 cytokine locus control region; plus strand), RAD50 (RAD50 double strand break repair protein; plus strand), TH2LCRR (T helper type 2 locus control region associated RNA; minus strand). Cytogenetic location: 5q31.1.
Variant type: single nucleotide variant.
Coding change: c.3671A>T on transcript NM_005732.4 (MANE Select); coding-DNA position 3671, A replaced by T.
Protein change: p.Asn1224Ile; replaces asparagine 1224 with isoleucine.
Molecular consequence: missense variant.
Genome position (GRCh38, 1-based): chr5:132,640,724, A>T. VCF-style: chr5-132640724-A-T. GRCh37 (hg19) VCF-style: chr5-131976416-A-T.
Other names: short protein forms N1224I.
Identifiers: ClinVar variation 1733794 (VCV001733794.2), dbSNP rs756860186, ClinGen allele CA360934113.

ClinVar aggregate classification (germline): Uncertain significance (1 of 4 stars; one submission).

Conditions:
Hereditary cancer-predisposing syndrome. Also called: Neoplastic Syndromes, Hereditary; Tumor predisposition; Hereditary Cancer Syndrome; Hereditary neoplastic syndrome. Identifiers: Orphanet 140162, MedGen C0027672, MeSH D009386, MONDO:0015356.

Submission:

Ambry Genetics
Classification: Uncertain significance for Hereditary cancer-predisposing syndrome. Last evaluated: 2020-02-06. Review status: criteria provided, single submitter. Criteria: Ambry Variant Classification Scheme 2023. Collection method: clinical testing. Allele origin: germline.
Comment: The p.N1224I variant (also known as c.3671A>T), located in coding exon 24 of the RAD50 gene, results from an A to T substitution at nucleotide position 3671. The asparagine at codon 1224 is replaced by isoleucine, an amino acid with dissimilar properties. This amino acid position is highly conserved in available vertebrate species. In addition, this alteration is predicted to be deleterious by in silico analysis. Since supporting evidence is limited at this time, the clinical significance of this alteration remains unclear.